The following is an entry in ClinVar:

NM_001040716.2(PC):c.952G>A (p.Gly318Ser)

Gene: PC (pyruvate carboxylase; minus strand). Cytogenetic location: 11q13.2.
Variant type: single nucleotide variant.
Coding change: c.952G>A on transcript NM_001040716.2 (MANE Select); coding-DNA position 952, G replaced by A.
Protein change: p.Gly318Ser; replaces glycine 318 with serine.
Molecular consequence: missense variant.
Genome position (GRCh38, 1-based): chr11:66,868,916, C>T on the plus strand (G>A on the coding strand, the complement: PC is on the minus strand). VCF-style: chr11-66868916-C-T. GRCh37 (hg19) VCF-style: chr11-66636387-C-T.
Other names: c.952G>A, p.Gly318Ser (NM_000920.4, NM_022172.3); c.952G>A (NM_000920.3); short protein forms G318S.
Identifiers: ClinVar variation 2151328 (VCV002151328.2), dbSNP rs758965151, ClinGen allele CA224091110.

ClinVar aggregate classification (germline): Uncertain significance. Review status: criteria provided, multiple submitters, no conflicts (2 of 4 stars). 2 submissions from 2 submitters: Uncertain significance (2). Last evaluated 2025-02-25.

Conditions:
Inborn genetic diseases. Identifiers: MedGen C0950123, MeSH D030342.
Pyruvate carboxylase deficiency. Also called: Pyruvate Carboxylase Deficiency Disease; LEIGH NECROTIZING ENCEPHALOPATHY DUE TO PYRUVATE CARBOXYLASE DEFICIENCY; LEIGH SYNDROME DUE TO PYRUVATE CARBOXYLASE DEFICIENCY; PC DEFICIENCY; ATAXIA WITH LACTIC ACIDOSIS II. Identifiers: Orphanet 3008, MedGen C0034341, MONDO:0009949, OMIM 266150.

Allele frequency attached by ClinVar (database versions not stated): TOPMed below 0.00001; gnomAD 0.00001; gnomAD exomes 0.00002.
gnomAD v4.1: 36 of 1,613,836 alleles (0.0022%); highest among the groups gnomAD compares: Non-Finnish European, 0.003%; no homozygotes.

Submissions (2):

Ambry Genetics
Classification: Uncertain significance for Inborn genetic diseases. Last evaluated: 2025-02-25. Review status: criteria provided, single submitter. Criteria: Ambry Variant Classification Scheme 2023. Collection method: clinical testing. Allele origin: germline.

Labcorp Genetics (formerly Invitae), Labcorp
Classification: Uncertain significance for Pyruvate carboxylase deficiency. Last evaluated: 2022-08-10. Review status: criteria provided, single submitter. Criteria: Invitae Variant Classification Sherloc (09022015). Collection method: clinical testing. Allele origin: germline.
Comment: This sequence change replaces glycine, which is neutral and non-polar, with serine, which is neutral and polar, at codon 318 of the PC protein (p.Gly318Ser). This variant is present in population databases (rs758965151, gnomAD 0.004%). This variant has not been reported in the literature in individuals affected with PC-related conditions. Algorithms developed to predict the effect of missense changes on protein structure and function are either unavailable or do not agree on the potential impact of this missense change (SIFT: "Deleterious"; PolyPhen-2: "Possibly Damaging"; Align-GVGD: "Class C0"). In summary, the available evidence is currently insufficient to determine the role of this variant in disease. Therefore, it has been classified as a Variant of Uncertain Significance.